The following is an entry in ClinVar:

ClinVar aggregate classification (germline): Uncertain significance. Review status: criteria provided, multiple submitters, no conflicts (2 of 4 stars). 2 submissions from 2 submitters: Uncertain significance (2). Last evaluated 2024-10-17.

Conditions:
Inborn genetic diseases. Identifiers: MedGen C0950123, MeSH D030342.

gnomAD v4.1: 1 of 1,539,330 alleles (0.000065%); highest among the groups gnomAD compares: Admixed American, 0.002%; no homozygotes.

Submissions (2):

Labcorp Genetics (formerly Invitae), Labcorp
Classification: Uncertain significance. Last evaluated: 2024-10-17. Review status: criteria provided, single submitter. Criteria: Invitae Variant Classification Sherloc (09022015). Collection method: clinical testing. Allele origin: germline.
Comment: This sequence change replaces leucine, which is neutral and non-polar, with arginine, which is basic and polar, at codon 19 of the TGFB1 protein (p.Leu19Arg). The frequency data for this variant in the population databases is considered unreliable, as metrics indicate poor data quality at this position in the gnomAD database. This variant has not been reported in the literature in individuals affected with TGFB1-related conditions. Experimental studies and prediction algorithms are not available or were not evaluated, and the functional significance of this variant is currently unknown. In summary, the available evidence is currently insufficient to determine the role of this variant in disease. Therefore, it has been classified as a Variant of Uncertain Significance.

Ambry Genetics
Classification: Uncertain significance for Inborn genetic diseases. Last evaluated: 2024-04-23. Review status: criteria provided, single submitter. Criteria: Ambry Variant Classification Scheme 2023. Collection method: clinical testing. Allele origin: germline.

NM_000660.7(TGFB1):c.56T>G (p.Leu19Arg)

Gene: TGFB1 (transforming growth factor beta 1; minus strand). Cytogenetic location: 19q13.2.
Variant type: single nucleotide variant.
Coding change: c.56T>G on transcript NM_000660.7 (MANE Select); coding-DNA position 56, T replaced by G.
Protein change: p.Leu19Arg; replaces leucine 19 with arginine.
Molecular consequence: missense variant.
Genome position (GRCh38, 1-based): chr19:41,352,989, A>C on the plus strand (T>G on the coding strand, the complement: TGFB1 is on the minus strand). VCF-style: chr19-41352989-A-C. GRCh37 (hg19) VCF-style: chr19-41858894-A-C.
Other names: short protein forms L19R.
Identifiers: ClinVar variation 3325685 (VCV003325685.3).